The following is an entry in ClinVar:

ClinVar aggregate classification (germline): Benign (1 of 4 stars; one submission).

Conditions:
Sessile serrated polyposis cancer syndrome (SSPCS). Identifiers: Orphanet 157798, MedGen C4310714, MONDO:0014919, OMIM 617108.

Submission:

Myriad Genetics, Inc.
Classification: Benign for Sessile serrated polyposis cancer syndrome. Last evaluated: 2026-07-02. Review status: criteria provided, single submitter. Criteria: Myriad Autosomal Dominant, Autosomal Recessive and X-Linked Classification Criteria (2023). Collection method: clinical testing. Allele origin: unknown.
Comment: This variant is considered benign. This variant is a silent/synonymous amino acid change and it is not expected to impact splicing.

NM_017763.6(RNF43):c.2214T>C (p.His738=)

Gene: RNF43 (ring finger protein 43; minus strand). Cytogenetic location: 17q22.
Variant type: single nucleotide variant.
Coding change: c.2214T>C on transcript NM_017763.6 (MANE Select); coding-DNA position 2214, T replaced by C.
Protein change: p.His738=; no amino-acid change (histidine 738 retained).
Molecular consequence: synonymous variant.
Genome position (GRCh38, 1-based): chr17:58,357,562, A>G on the plus strand (T>C on the coding strand, the complement: RNF43 is on the minus strand). VCF-style: chr17-58357562-A-G. GRCh37 (hg19) VCF-style: chr17-56434923-A-G.
Other names: c.2214T>C, p.His738= (NM_001305544.3, NM_001438820.1, NM_001438821.1 and 1 more transcripts); c.1833T>C, p.His611= (NM_001305545.2, NM_001437987.1).
Identifiers: ClinVar variation 5042400 (VCV005042400.1).